The following is an entry in ClinVar:

ClinVar aggregate classification (germline): Pathogenic/Likely pathogenic. Review status: criteria provided, multiple submitters, no conflicts (2 of 4 stars). 2 submissions from 2 submitters: Pathogenic (1); Likely pathogenic (1). Last evaluated 2021-06-30.

Conditions:
Hereditary spastic paraplegia 4. Also called: Familial spastic paraplegia autosomal dominant 2; Spastic Paraplegia 4; Spastic paraplegia 4, autosomal dominant. Identifiers: Orphanet 100985, MedGen C1866855, MONDO:0008438, OMIM 182601.
Hereditary spastic paraplegia. Also called: Familial spastic paraparesis. Identifiers: Orphanet 685, MedGen C0037773, MONDO:0019064. Disease mechanism: loss of function.

Submissions (2):

Labcorp Genetics (formerly Invitae), Labcorp
Classification: Pathogenic for Hereditary spastic paraplegia 4. Last evaluated: 2021-06-30. Review status: criteria provided, single submitter. Criteria: Invitae Variant Classification Sherloc (09022015). Collection method: clinical testing. Allele origin: germline.
Comment: This variant has not been reported in the literature in individuals affected with SPAST-related conditions. This sequence change creates a premature translational stop signal (p.Ser302Leufs*14) in the SPAST gene. It is expected to result in an absent or disrupted protein product. Loss-of-function variants in SPAST are known to be pathogenic (PMID: 20932283). This variant is not present in population databases (ExAC no frequency). For these reasons, this variant has been classified as Pathogenic.

Genome Diagnostics Laboratory, The Hospital for Sick Children
Classification: Likely pathogenic for Hereditary spastic paraplegia. Last evaluated: 2020-10-16. Review status: criteria provided, single submitter. Criteria: ACMG Guidelines, 2015. Collection method: clinical testing. Allele origin: germline. Affected: yes.

Literature cited by the submitters: PubMed 20932283 (cited by Labcorp Genetics (formerly Invitae), Labcorp).

NM_014946.4(SPAST):c.902_903dup (p.Ser302fs)

Gene: SPAST (spastin; plus strand). Cytogenetic location: 2p22.3.
Variant type: Duplication.
Coding change: c.902_903dup on transcript NM_014946.4 (MANE Select); coding-DNA positions 902 to 903, 2 bases duplicated (CT; older notation c.902_903dupCT).
Protein change: p.Ser302fs; shifts the reading frame from serine 302.
Molecular consequence: frameshift variant.
Genome position (GRCh38, 1-based): chr2:32,115,733-32,115,734, CT duplicated. VCF-style (leftmost placement, unchanged base first): chr2-32115732-C-CCT. GRCh37 (hg19) VCF-style: chr2-32340801-C-CCT.
Other names: c.899_900dup, p.Ser301fs (NM_001363823.2); c.803_804dup, p.Ser269fs (NM_001363875.2); c.806_807dup, p.Ser270fs (NM_001377959.1, NM_199436.2); short protein forms S269fs, S270fs, S301fs, S302fs.
Identifiers: ClinVar variation 1344072 (VCV001344072.9), dbSNP rs2148734025, ClinGen allele CA2573051926.